The following is an entry in ClinVar:

ClinVar aggregate classification (germline): Uncertain significance. Review status: criteria provided, multiple submitters, no conflicts (2 of 4 stars). 2 submissions from 2 submitters: Uncertain significance (2). Last evaluated 2025-10-21.

Conditions:
Epileptic encephalopathy. Identifiers: MedGen C0543888, HP:0200134.

Allele frequency attached by ClinVar (database versions not stated): gnomAD exomes 0.00002; TOPMed 0.00002.
gnomAD v4.1: 15 of 1,608,090 alleles (0.00093%); highest among the groups gnomAD compares: African/African-American, 0.0094%; no homozygotes.

Submissions (2):

Ambry Genetics
Classification: Uncertain significance. Last evaluated: 2025-10-21. Review status: criteria provided, single submitter. Criteria: Ambry Variant Classification Scheme 2023. Collection method: clinical testing. Allele origin: germline.

Labcorp Genetics (formerly Invitae), Labcorp
Classification: Uncertain significance for Epileptic encephalopathy. Last evaluated: 2020-05-25. Review status: criteria provided, single submitter. Criteria: Invitae Variant Classification Sherloc (09022015). Collection method: clinical testing. Allele origin: germline.
Comment: This sequence change replaces alanine with threonine at codon 536 of the RYR3 protein (p.Ala536Thr). The alanine residue is moderately conserved and there is a small physicochemical difference between alanine and threonine. This variant is not present in population databases (ExAC no frequency). This variant has not been reported in the literature in individuals with RYR3-related conditions. Algorithms developed to predict the effect of missense changes on protein structure and function (SIFT, PolyPhen-2, Align-GVGD) all suggest that this variant is likely to be tolerated, but these predictions have not been confirmed by published functional studies and their clinical significance is uncertain. In summary, the available evidence is currently insufficient to determine the role of this variant in disease. Therefore, it has been classified as a Variant of Uncertain Significance.

NM_001036.6(RYR3):c.1606G>A (p.Ala536Thr)

Gene: RYR3 (ryanodine receptor 3; plus strand). Cytogenetic location: 15q14.
Variant type: single nucleotide variant.
Coding change: c.1606G>A on transcript NM_001036.6 (MANE Select); coding-DNA position 1606, G replaced by A.
Protein change: p.Ala536Thr; replaces alanine 536 with threonine.
Molecular consequence: missense variant.
Genome position (GRCh38, 1-based): chr15:33,584,427, G>A. VCF-style: chr15-33584427-G-A. GRCh37 (hg19) VCF-style: chr15-33876628-G-A.
Other names: c.1606G>A (NM_001036.3); c.1606G>A, p.Ala536Thr (NM_001243996.4); short protein forms A536T.
Identifiers: ClinVar variation 1010895 (VCV001010895.10), dbSNP rs868245910, ClinGen allele CA268561179.